The following is an entry in ClinVar:

NM_002519.3(NPAT):c.1914T>A (p.Asp638Glu)

Gene: NPAT (nuclear protein, coactivator of histone transcription; minus strand). Cytogenetic location: 11q22.3.
Variant type: single nucleotide variant.
Coding change: c.1914T>A on transcript NM_002519.3 (MANE Select); coding-DNA position 1914, T replaced by A.
Protein change: p.Asp638Glu; replaces aspartic acid 638 with glutamic acid.
Molecular consequence: missense variant.
Genome position (GRCh38, 1-based): chr11:108,173,070, A>T on the plus strand (T>A on the coding strand, the complement: NPAT is on the minus strand). VCF-style: chr11-108173070-A-T. GRCh37 (hg19) VCF-style: chr11-108043797-A-T.
Other names: c.1914T>A, p.Asp638Glu (NM_001321307.1); short protein forms D638E.
Identifiers: ClinVar variation 2568016 (VCV002568016.2), dbSNP rs1490136655, ClinGen allele CA382514086.

ClinVar aggregate classification (germline): Uncertain significance (1 of 4 stars; one submission).

Submission:

Ambry Genetics
Classification: Uncertain significance. Last evaluated: 2023-05-26. Review status: criteria provided, single submitter. Criteria: Ambry Variant Classification Scheme 2023. Collection method: clinical testing. Allele origin: germline.
Comment: The p.D638E variant (also known as c.1914T>A), located in coding exon 13 of the NPAT gene, results from a T to A substitution at nucleotide position 1914. The aspartic acid at codon 638 is replaced by glutamic acid, an amino acid with highly similar properties. This amino acid position is conserved. In addition, this alteration is predicted to be tolerated by in silico analysis. Since supporting evidence is limited at this time, the clinical significance of this alteration remains unclear.